The following is an entry in ClinVar:

ClinVar aggregate classification (germline): Conflicting classifications of pathogenicity. Review status: criteria provided, conflicting classifications (1 of 4 stars). 4 submissions from 4 submitters: Pathogenic (1); Likely pathogenic (2); Uncertain significance (1). Last evaluated 2026-07-22.

Conditions:
F8-related disorders.
Thrombophilia, X-linked, due to factor 8 defect. Also called: THROMBOPHILIA, X-LINKED, DUE TO FACTOR VIII DEFECT; Thrombophilia 13, X-linked, due to factor VIII defect. Identifiers: MedGen C5676879, MONDO:0859082, OMIM 301071.
Hereditary factor VIII deficiency disease (HEMA). Also called: AUTOSOMAL HEMOPHILIA A; Hemophilia A, congenital; HEM A; Factor 8 deficiency, congenital; Hemophilia A; HEMOPHILIA, CLASSIC. Identifiers: Orphanet 98878, MedGen C0019069, MONDO:0010602, OMIM 306700.

Allele frequency attached by ClinVar (database versions not stated): ExAC 0.00001; gnomAD exomes 0.00001 and 0.00002; TOPMed 0.00001.

Submissions (4):

Myriad Genetics, Inc.
Classification: Likely pathogenic for Hereditary factor VIII deficiency disease. Last evaluated: 2026-07-22. Review status: criteria provided, single submitter. Criteria: Myriad Autosomal Dominant, Autosomal Recessive and X-Linked Classification Criteria (2023). Collection method: clinical testing. Allele origin: unknown.
Comment: NM_000132.3(F8):c.5381T>A(F1794Y) is a missense variant classified as likely pathogenic in the context of hemophilia A. F1794Y has been observed in cases with relevant disease (PMID: 31026269, 23926300, 23913812, 24352918). Relevant functional assessments of this variant are not available in the literature. F1794Y has been observed in referenced population frequency databases. In summary, NM_000132.3(F8):c.5381T>A(F1794Y) is a missense variant that has been observed more frequently in cases with the relevant disease than in healthy populations. Please note: this variant was assessed in the context of healthy population screening.

Women's Health and Genetics/Laboratory Corporation of America, LabCorp
Classification: Uncertain significance. Last evaluated: 2024-06-13. Review status: criteria provided, single submitter. Criteria: LabCorp Variant Classification Summary - May 2015. Collection method: clinical testing. Allele origin: germline.
Comment: Variant summary: F8 c.5381T>A (p.Phe1794Tyr) results in a conservative amino acid change in the encoded protein sequence. Four of five in-silico tools predict a damaging effect of the variant on protein function. The variant allele was found at a frequency of 1.2e-05 in 1189826 control chromosomes, including 6 hemizygotes. This frequency is not significantly higher than estimated for a pathogenic variant in F8 causing Factor VIII Deficiency (Hemophilia A) (1.2e-05 vs 0.0098), allowing no conclusion about variant significance. c.5381T>A has been reported in the literature in at-least one individual affected with mild Factor VIII Deficiency (Hemophilia A) (examples: Eckhardt_2013). These data do not allow any conclusion about variant significance. To our knowledge, no experimental evidence demonstrating an impact on protein function has been reported. The following publications have been ascertained in the context of this evaluation (PMID: 23926300, 31026269, 24352918). ClinVar contains an entry for this variant (Variation ID: 1685788). Based on the evidence outlined above, the variant was classified as uncertain significance.

Blueprint Genetics
Classification: Likely pathogenic for F8-related disorders. Last evaluated: 2024-05-16. Review status: criteria provided, single submitter. Criteria: ACMG Guidelines, 2015. Collection method: clinical testing. Allele origin: germline. Affected: yes. Observed: 4 variant alleles.

Mendelics
Classification: Pathogenic for Thrombophilia, X-linked, due to factor 8 defect. Last evaluated: 2022-05-04. Review status: criteria provided, single submitter. Criteria: Mendelics Assertion Criteria 2019. Collection method: clinical testing. Allele origin: germline.

Literature cited by the submitters: PubMed 23913812 (cited by Myriad Genetics, Inc.); PubMed 23926300 (cited by Myriad Genetics, Inc. and Women's Health and Genetics/Laboratory Corporation of America, LabCorp); PubMed 24352918 (cited by Myriad Genetics, Inc. and Women's Health and Genetics/Laboratory Corporation of America, LabCorp); PubMed 31026269 (cited by Myriad Genetics, Inc. and Women's Health and Genetics/Laboratory Corporation of America, LabCorp).

NM_000132.4(F8):c.5381T>A (p.Phe1794Tyr)

Gene: F8 (coagulation factor VIII; minus strand). Cytogenetic location: Xq28.
Variant type: single nucleotide variant.
Coding change: c.5381T>A on transcript NM_000132.4 (MANE Select); coding-DNA position 5381, T replaced by A.
Protein change: p.Phe1794Tyr; replaces phenylalanine 1794 with tyrosine.
Molecular consequence: missense variant.
Genome position (GRCh38, 1-based): chrX:154,905,016, A>T on the plus strand (T>A on the coding strand, the complement: F8 is on the minus strand). VCF-style: chrX-154905016-A-T. GRCh37 (hg19) VCF-style: chrX-154133291-A-T.
Other names: short protein forms F1794Y.
Identifiers: ClinVar variation 1685788 (VCV001685788.4), dbSNP rs782123880, ClinGen allele CA10567975.